The following is an entry in ClinVar:

ClinVar aggregate classification (germline): Uncertain significance. Review status: criteria provided, multiple submitters, no conflicts (2 of 4 stars). 3 submissions from 3 submitters: Uncertain significance (3). Last evaluated 2025-06-13.

Conditions:
Fanconi anemia (FA). Also called: Fanconi's anemia. Identifiers: Orphanet 84, MedGen C0015625, MeSH D005199, MONDO:0019391.
Fanconi anemia complementation group I (FANCI). Also called: FANCI-Related Fanconi Anemia. Identifiers: Orphanet 84, MedGen C1836861, MONDO:0012186, OMIM 609053.
FANCI-related disorder. Also called: FANCI-related condition.

Allele frequency attached by ClinVar (database versions not stated): gnomAD exomes 0.00001 and 0.00002; ExAC 0.00002; gnomAD 0.00005 and 0.00006; TOPMed 0.00008.
gnomAD v4.1: 17 of 1,613,774 alleles (0.0011%); highest among the groups gnomAD compares: African/African-American, 0.021%; no homozygotes.

Submissions (3):

PreventionGenetics, part of Exact Sciences
Classification: Uncertain significance for FANCI-related condition. Last evaluated: 2025-06-13. Review status: criteria provided, single submitter. Criteria: ACMG Guidelines, 2015. Collection method: clinical testing. Allele origin: germline.
Comment: The FANCI c.713G>A variant is predicted to result in the amino acid substitution p.Ser238Asn. To our knowledge, this variant has not been reported in the literature. This variant is reported in 0.024% of alleles in individuals of African descent in gnomAD. At this time, the clinical significance of this variant is uncertain due to the absence of conclusive functional and genetic evidence.

Labcorp Genetics (formerly Invitae), Labcorp
Classification: Uncertain significance for Fanconi anemia. Last evaluated: 2023-12-07. Review status: criteria provided, single submitter. Criteria: Invitae Variant Classification Sherloc (09022015). Collection method: clinical testing. Allele origin: germline.
Comment: This sequence change replaces serine, which is neutral and polar, with asparagine, which is neutral and polar, at codon 238 of the FANCI protein (p.Ser238Asn). This variant is present in population databases (rs779604966, gnomAD 0.02%). This variant has not been reported in the literature in individuals affected with FANCI-related conditions. ClinVar contains an entry for this variant (Variation ID: 1450985). Advanced modeling of protein sequence and biophysical properties (such as structural, functional, and spatial information, amino acid conservation, physicochemical variation, residue mobility, and thermodynamic stability) performed at Invitae indicates that this missense variant is not expected to disrupt FANCI protein function with a negative predictive value of 80%. In summary, the available evidence is currently insufficient to determine the role of this variant in disease. Therefore, it has been classified as a Variant of Uncertain Significance.

Fulgent Genetics
Classification: Uncertain significance for Fanconi anemia complementation group I. Last evaluated: 2021-10-13. Review status: criteria provided, single submitter. Criteria: ACMG Guidelines, 2015. Collection method: clinical testing. Allele origin: unknown.

NM_001113378.2(FANCI):c.713G>A (p.Ser238Asn)

Gene: FANCI (FA complementation group I; plus strand). Cytogenetic location: 15q26.1.
Variant type: single nucleotide variant.
Coding change: c.713G>A on transcript NM_001113378.2 (MANE Select); coding-DNA position 713, G replaced by A.
Protein change: p.Ser238Asn; replaces serine 238 with asparagine.
Molecular consequence: missense variant.
Genome position (GRCh38, 1-based): chr15:89,264,565, G>A. VCF-style: chr15-89264565-G-A. GRCh37 (hg19) VCF-style: chr15-89807796-G-A.
Other names: c.434G>A, p.Ser145Asn (NM_001376910.1); c.713G>A, p.Ser238Asn (NM_001376911.1, NM_018193.3); c.713G>A (NM_001113378.1); short protein forms S238N, S145N.
Identifiers: ClinVar variation 1450985 (VCV001450985.6), dbSNP rs779604966, ClinGen allele CA7722733.